The following is an entry in ClinVar:

NC_000007.13:g.(?_141292926)_(141293005_?)del

Gene: AGK (acylglycerol kinase; plus strand). Cytogenetic location: 7q34.
Variant type: Deletion.
Identifiers: ClinVar variation 2426458 (VCV002426458.4).

ClinVar aggregate classification (germline): Pathogenic (1 of 4 stars; one submission).

Conditions:
Cataract 38. Also called: Cataract 38, autosomal recessive; Cataract, autosomal recessive congenital 5. Identifiers: Orphanet 91492, MedGen C3553494, MONDO:0013859, OMIM 614691.
Sengers syndrome. Also called: MITOCHONDRIAL DNA DEPLETION SYNDROME 10 (CARDIOMYOPATHIC TYPE); Cardiomyopathy and cataract. Identifiers: Orphanet 1369, MedGen C1859317, MONDO:0008922, OMIM 212350.

Submission:

Labcorp Genetics (formerly Invitae), Labcorp
Classification: Pathogenic for Sengers syndrome; Cataract 38. Last evaluated: 2024-01-25. Review status: criteria provided, single submitter. Criteria: Invitae Variant Classification Sherloc (09022015). Collection method: clinical testing. Allele origin: germline.
Comment: This variant is a gross deletion of the genomic region encompassing exon(s) 3 of the AGK gene. This deletion is out-of-frame, and is expected to create a premature termination codon and result in an absent or disrupted protein product. Loss-of-function variants in AGK are known to be pathogenic (PMID: 22284826). This variant has not been reported in the literature in individuals affected with AGK-related conditions. For these reasons, this variant has been classified as Pathogenic.

Literature cited by the submitters: PubMed 22284826.